The following is an entry in ClinVar:

ClinVar aggregate classification (germline): Likely benign (0 of 4 stars; one submission).

Conditions:
PPARG-related disorder. Also called: PPARG-related disorders; PPARG-related condition.

gnomAD v4.1: 2 of 1,613,864 alleles (0.00012%); highest among the groups gnomAD compares: Admixed American, 0.0033%; no homozygotes.

Submission:

PreventionGenetics, part of Exact Sciences
Classification: Likely benign for PPARG-related condition. Last evaluated: 2022-09-29. Review status: no assertion criteria provided. Collection method: clinical testing. Allele origin: germline.
Comment: This variant is classified as likely benign based on ACMG/AMP sequence variant interpretation guidelines (Richards et al. 2015 PMID: 25741868, with internal and published modifications).

NM_138711.6(PPARG):c.492G>T (p.Arg164=)

Gene: PPARG (peroxisome proliferator activated receptor gamma; plus strand). Cytogenetic location: 3p25.2.
Variant type: single nucleotide variant.
Coding change: c.492G>T on transcript NM_138711.6 (MANE Select); coding-DNA position 492, G replaced by T.
Protein change: p.Arg164=; no amino-acid change (arginine 164 retained).
Molecular consequence: synonymous variant. On other transcripts: missense variant (1).
Genome position (GRCh38, 1-based): chr3:12,392,715, G>T. VCF-style: chr3-12392715-G-T. GRCh37 (hg19) VCF-style: chr3-12434214-G-T.
Other names: c.492G>T, p.Arg164= (NM_001330615.4, NM_001354666.3, NM_001354667.3 and 6 more transcripts); c.582G>T, p.Arg194= (NM_001354668.2, NM_001374265.1, NM_015869.5); c.65G>T, p.Gly22Val (NM_001354669.2); c.498G>T, p.Arg166= (NM_001354670.2, NM_001374266.1); short protein forms G22V.
Identifiers: ClinVar variation 3357147 (VCV003357147.1).